The following is an entry in ClinVar:

ClinVar aggregate classification (germline): Likely pathogenic. Review status: reviewed by expert panel (3 of 4 stars). 5 submissions from 5 submitters: Likely pathogenic (1). 4 of the submissions do not count toward it. Last evaluated 2023-08-24.

Conditions:
Hereditary cancer-predisposing syndrome. Also called: Hereditary Cancer Syndrome; Neoplastic Syndromes, Hereditary; Tumor predisposition; Hereditary neoplastic syndrome. Identifiers: Orphanet 140162, MedGen C0027672, MeSH D009386, MONDO:0015356.
CDH1-related diffuse gastric and lobular breast cancer syndrome. Also called: CDH1-related diffuse gastric and lobular breast cancer. Identifiers: MedGen CN311521, MONDO:0100488.
Hereditary diffuse gastric adenocarcinoma (HDGC). Also called: DIFFUSE GASTRIC AND LOBULAR BREAST CANCER SYNDROME. Identifiers: Orphanet 26106, MedGen C1708349, MONDO:0007648, OMIM 137215.

Submissions (5):

Clingen Gastric Cancer Variant Curation Expert Panel
Classification: Likely pathogenic for CDH1-related diffuse gastric and lobular breast cancer syndrome. Last evaluated: 2023-08-24. Review status: reviewed by expert panel. Criteria: ClinGen CDH1 ACMG Specifications V3.1. Collection method: curation. Allele origin: germline. Inheritance: Autosomal dominant inheritance.
Comment: The c.1711+2_1711+7delTAAGGG variant is a canonical splice variant predicted to result in a truncated or absent protein (PVS1_Strong, PM5_Supporting). This variant is absent in the gnomAD cohort (PM2_Supporting). The variant has been reported in at least one family meeting HDGC clinical criteria (PS4_Supporting; SCV000217020.4). In summary, this variant meets criteria to be classified as pathogenic based on the ACMG/AMP criteria applied as specified by the CDH1 Variant Curation Expert Panel (Variant Interpretation Guidelines Version 3.1): PVS1_Strong, PM2_Supporting, PS4_Supporting, PM5_Supporting.

Labcorp Genetics (formerly Invitae), Labcorp
Classification: Likely pathogenic for Hereditary diffuse gastric adenocarcinoma. Last evaluated: 2024-08-28. Review status: criteria provided, single submitter. Criteria: Invitae Variant Classification Sherloc (09022015). Collection method: clinical testing. Allele origin: germline. Not counted in ClinVar's aggregate classification.
Comment: This sequence change affects a splice site in intron 11 of the CDH1 gene. It is expected to disrupt RNA splicing. Variants that disrupt the donor or acceptor splice site typically lead to a loss of protein function (PMID: 16199547), and loss-of-function variants in CDH1 are known to be pathogenic (PMID: 15235021, 20373070). This variant is not present in population databases (gnomAD no frequency). This variant has not been reported in the literature in individuals affected with CDH1-related conditions. ClinVar contains an entry for this variant (Variation ID: 186618). Algorithms developed to predict the effect of sequence changes on RNA splicing suggest that this variant may disrupt the consensus splice site. In summary, the currently available evidence indicates that the variant is pathogenic, but additional data are needed to prove that conclusively. Therefore, this variant has been classified as Likely Pathogenic.

Myriad Genetics, Inc.
Classification: Likely pathogenic for Hereditary diffuse gastric adenocarcinoma. Last evaluated: 2023-06-14. Review status: criteria provided, single submitter. Criteria: Myriad Autosomal Dominant, Autosomal Recessive and X-Linked Classification Criteria (2023). Collection method: clinical testing. Allele origin: unknown. Not counted in ClinVar's aggregate classification.
Comment: This variant is considered likely pathogenic. This variant occurs within a consensus splice junction and is predicted to result in abnormal mRNA splicing of either an out-of-frame exon or an in-frame exon necessary for protein stability and/or normal function.

Color Diagnostics, LLC DBA Color Health
Classification: Likely pathogenic for Hereditary cancer-predisposing syndrome. Last evaluated: 2022-08-15. Review status: criteria provided, single submitter. Criteria: ACMG Guidelines, 2015. Collection method: clinical testing. Allele origin: germline. Not counted in ClinVar's aggregate classification.
Comment: This variant causes the deletion of 6 nucleotides in the canonical splice donor region in intron 11 of the CDH1 gene. Splice site prediction tools predict that this variant may have a significant impact on RNA splicing. RNA functional studies have reported that this variant causes increased skipping of exon 11. Baseline exon 11 skipping in healthy control cells was also observed (PMID: 32133419). Skipping of CDH1 exon 11 is expected to create a premature translation stop signal and result in an absent or non-functional protein product. This variant has been reported in an individual affected with diffuse gastric cancer (External lab communication). This variant has not been identified in the general population by the Genome Aggregation Database (gnomAD). Loss of CDH1 function is a known mechanism of disease. Based on the available evidence, this variant is classified as Likely Pathogenic.

Ambry Genetics
Classification: Pathogenic for Hereditary cancer-predisposing syndrome. Last evaluated: 2017-11-10. Review status: criteria provided, single submitter. Criteria: Ambry Variant Classification Scheme 2023. Collection method: clinical testing. Allele origin: germline. Not counted in ClinVar's aggregate classification.
Comment: The c.1711+2_1711+7delTAAGGG intronic pathogenic mutation results from a deletion of 6 nucleotides at positions c.1711+2 to c.1711+7 after coding exon 11 of the CDH1 gene. This alteration was previously identified in a HDGC family, and subsequent RNA analyses demonstrated abnormal splicing (Ambry internal data). In addition, alterations that disrupt the canonical splice site are expected to cause aberrant splicing, resulting in an abnormal protein or a transcript that is subject to nonsense-mediated mRNA decay. As such, this alteration is classified as a disease-causing mutation.

Literature cited by the submitters: PubMed 16199547 (cited by Labcorp Genetics (formerly Invitae), Labcorp); PubMed 15235021 (cited by Labcorp Genetics (formerly Invitae), Labcorp); PubMed 20373070 (cited by Labcorp Genetics (formerly Invitae), Labcorp); PubMed 32133419 (cited by Color Diagnostics, LLC DBA Color Health).

NM_004360.5(CDH1):c.1711+2_1711+7del

Gene: CDH1 (cadherin 1; plus strand). Cytogenetic location: 16q22.1.
Variant type: Deletion.
Coding change: c.1711+2_1711+7del on transcript NM_004360.5 (MANE Select); the canonical splice donor site of the intron after coding-DNA position 1711 through 7 bases into the intron after coding-DNA position 1711, 6 bases deleted (TAAGGG; older notation c.1711+2_1711+7delTAAGGG).
Molecular consequence: splice donor variant. On other transcripts: intron variant (1).
Genome position (GRCh38, 1-based): chr16:68,819,427-68,819,432, TAAGGG deleted; deleting any 6 consecutive bases within chr16:68,819,425-68,819,432 gives the same sequence; the c. name uses the placement nearest the transcript's 3' end. VCF-style (leftmost placement, unchanged base first): chr16-68819424-TGGTAAG-T. GRCh37 (hg19) VCF-style: chr16-68853327-TGGTAAG-T.
Other names: c.1711+2_1711+7del (LRG_301t1, NM_004360.3); c.163+2_163+7del (NM_001317185.2); c.-254-2574_-254-2569del (NM_001317186.2); c.1528+2_1528+7del (NM_001317184.2); c.1711+2_1711+7delTAAGGG (NM_004360.4).
Identifiers: ClinVar variation 186618 (VCV000186618.22), dbSNP rs786203089, ClinGen allele CA195350.